The following is an entry in ClinVar:

ClinVar aggregate classification (germline): Uncertain significance. Review status: criteria provided, multiple submitters, no conflicts (2 of 4 stars). 2 submissions from 2 submitters: Uncertain significance (2). Last evaluated 2025-04-18.

Conditions:
Baller-Gerold syndrome (BGS). Also called: CRANIOSYNOSTOSIS WITH RADIAL DEFECTS. Identifiers: Orphanet 1225, MedGen C0265308, MONDO:0009039, OMIM 218600.
Inborn genetic diseases. Identifiers: MedGen C0950123, MeSH D030342.

Allele frequency attached by ClinVar (database versions not stated): gnomAD 0.00001; TOPMed 0.00001.
gnomAD v4.1: 1 of 1,612,928 alleles (0.000062%); highest among the groups gnomAD compares: African/African-American, 0.0013%; no homozygotes.

Submissions (2):

Ambry Genetics
Classification: Uncertain significance for Inborn genetic diseases. Last evaluated: 2025-04-18. Review status: criteria provided, single submitter. Criteria: Ambry Variant Classification Scheme 2023. Collection method: clinical testing. Allele origin: germline.
Comment: The p.A333G variant (also known as c.998C>G), located in coding exon 5 of the RECQL4 gene, results from a C to G substitution at nucleotide position 998. The alanine at codon 333 is replaced by glycine, an amino acid with similar properties. This amino acid position is conserved. In addition, this alteration is predicted to be tolerated by in silico analysis. Based on the available evidence, the clinical significance of this variant remains unclear.

Labcorp Genetics (formerly Invitae), Labcorp
Classification: Uncertain significance for Baller-Gerold syndrome. Last evaluated: 2018-10-11. Review status: criteria provided, single submitter. Criteria: Invitae Variant Classification Sherloc (09022015). Collection method: clinical testing. Allele origin: germline.
Comment: This sequence change replaces alanine with glycine at codon 333 of the RECQL4 protein (p.Ala333Gly). TheÂ¬â€ alanineÂ¬â€ residue is moderately conserved and there is a small physicochemical difference betweenÂ¬â€ alanineÂ¬â€ andÂ¬â€ glycine. This variant is not present in population databases (ExAC no frequency). This variant has not been reported in the literature in individuals with RECQL4-related disease. Algorithms developed to predict the effect of missense changes on protein structure and function (SIFT, PolyPhen-2, Align-GVGD) all suggest that this variant is likely to be tolerated, but these predictions have not been confirmed by published functional studies and their clinical significance is uncertain. In summary, the available evidence is currently insufficient to determine the role of this variant in disease. Therefore, it has been classified as a Variant of Uncertain Significance.

NM_004260.4(RECQL4):c.998C>G (p.Ala333Gly)

Gene: RECQL4 (RecQ like helicase 4; minus strand). Cytogenetic location: 8q24.3.
Variant type: single nucleotide variant.
Coding change: c.998C>G on transcript NM_004260.4 (MANE Select); coding-DNA position 998, C replaced by G.
Protein change: p.Ala333Gly; replaces alanine 333 with glycine.
Molecular consequence: missense variant.
Genome position (GRCh38, 1-based): chr8:144,516,121, G>C on the plus strand (C>G on the coding strand, the complement: RECQL4 is on the minus strand). VCF-style: chr8-144516121-G-C. GRCh37 (hg19) VCF-style: chr8-145741505-G-C.
Other names: short protein forms A333G.
Identifiers: ClinVar variation 643384 (VCV000643384.2), dbSNP rs1586822076, ClinGen allele CA372688375.
Genomic context (GRCh38, chr8:144,516,121, plus strand): 5'-TAATTGCCCCTGTCATGGCGGGCCAGCCGAGGGAAGATGTGCAGGGGGGCTGTGCCCTCA[G>C]CCTTCCCAGCCCTAGCTTGACTGGAGGGGCTGAGTCCGTGGTACCTGGGGTTCGATGGGC-3'
Protein context (NP_004251.4, residues 323-343): SPSSQARAGK[Ala333Gly]EGTAPLHIFP